The following is an entry in ClinVar:

NM_006757.4(TNNT3):c.309_310del (p.Arg103fs)

Gene: TNNT3 (troponin T3, fast skeletal type; plus strand). Cytogenetic location: 11p15.5.
Variant type: Microsatellite.
Coding change: c.309_310del on transcript NM_006757.4 (MANE Select); coding-DNA positions 309 to 310, 2 bases deleted (AG; older notation c.309_310delAG).
Protein change: p.Arg103fs; shifts the reading frame from arginine 103.
Molecular consequence: frameshift variant.
Genome position (GRCh38, 1-based): chr11:1,933,951-1,933,952, AG deleted; deleting any 2 consecutive bases within chr11:1,933,945-1,933,952 gives the same sequence; the c. name uses the placement nearest the transcript's 3' end. VCF-style (leftmost placement, unchanged base first): chr11-1933944-CAG-C. GRCh37 (hg19) VCF-style: chr11-1955174-CAG-C.
Other names: c.285_286del, p.Arg95fs (NM_001042780.3, NM_001042782.3, NM_001297646.2 and 2 more transcripts); c.303_304del, p.Arg101fs (NM_001042781.3, NM_001367842.1, NM_001367843.1); c.318_319del, p.Arg106fs (NM_001363561.2, NM_001367847.1); c.342_343del, p.Arg114fs (NM_001367846.1); c.306_307del, p.Arg102fs (NM_001367848.1); c.297_298del, p.Arg99fs (NM_001367849.1); c.252_253del, p.Arg84fs (NM_001367850.1); c.105_106del, p.Arg35fs (NM_001367851.1, NM_001367852.1); short protein forms R84fs, R106fs, R114fs, R101fs, R103fs, R95fs, R102fs, R35fs.
Identifiers: ClinVar variation 2796581 (VCV002796581.3), dbSNP rs2494792686, ClinGen allele CA2611950348.

ClinVar aggregate classification (germline): Uncertain significance (1 of 4 stars; one submission).

Submission:

Labcorp Genetics (formerly Invitae), Labcorp
Classification: Uncertain significance. Last evaluated: 2024-01-09. Review status: criteria provided, single submitter. Criteria: Invitae Variant Classification Sherloc (09022015). Collection method: clinical testing. Allele origin: germline.
Comment: This sequence change creates a premature translational stop signal (p.Arg103Serfs*59) in the TNNT3 gene. It is expected to result in an absent or disrupted protein product. However, the current clinical and genetic evidence is not sufficient to establish whether loss-of-function variants in TNNT3 cause disease. This variant is not present in population databases (gnomAD no frequency). This variant has not been reported in the literature in individuals affected with TNNT3-related conditions. In summary, the available evidence is currently insufficient to determine the role of this variant in disease. Therefore, it has been classified as a Variant of Uncertain Significance.